The following is an entry in ClinVar:

NM_001303256.3(MORC2):c.1588_1589delinsAT (p.Asp530Ile)

Gene: MORC2 (MORC family CW-type zinc finger 2; minus strand). Cytogenetic location: 22q12.2.
Variant type: Indel.
Coding change: c.1588_1589delinsAT on transcript NM_001303256.3 (MANE Select); coding-DNA positions 1588 to 1589, GA replaced by AT.
Protein change: p.Asp530Ile; replaces aspartic acid 530 with isoleucine.
Molecular consequence: missense variant.
Genome position (GRCh38, 1-based): chr22:30,936,947-30,936,948, TC replaced by AT on the plus strand (GA replaced by AT on the coding strand, the reverse complement: MORC2 is on the minus strand). VCF-style: chr22-30936947-TC-AT. GRCh37 (hg19) VCF-style: chr22-31332934-TC-AT.
Other names: c.1588_1589delinsAT, p.Asp530Ile (NM_001303257.2); c.1402_1403delinsAT, p.Asp468Ile (NM_014941.3); short protein forms D530I, D468I.
Identifiers: ClinVar variation 3725831 (VCV003725831.2).

ClinVar aggregate classification (germline): Uncertain significance (1 of 4 stars; one submission).

Conditions:
Charcot-Marie-Tooth disease axonal type 2Z. Also called: CHARCOT-MARIE-TOOTH DISEASE, AXONAL, AUTOSOMAL DOMINANT, TYPE 2Z; CHARCOT-MARIE-TOOTH NEUROPATHY, TYPE 2Z. Identifiers: Orphanet 466768, MedGen C5569025, MONDO:0014736, OMIM 616688.

Submission:

Labcorp Genetics (formerly Invitae), Labcorp
Classification: Uncertain significance for Charcot-Marie-Tooth disease axonal type 2Z. Last evaluated: 2024-11-22. Review status: criteria provided, single submitter. Criteria: Invitae Variant Classification Sherloc (09022015). Collection method: clinical testing. Allele origin: germline.
Comment: This sequence change replaces aspartic acid, which is acidic and polar, with isoleucine, which is neutral and non-polar, at codon 530 of the MORC2 protein (p.Asp530Ile). Information on the frequency of this variant in the gnomAD database is not available, as this variant may be reported differently in the database. This variant has not been reported in the literature in individuals affected with MORC2-related conditions. An algorithm developed to predict the effect of missense changes on protein structure and function (PolyPhen-2) suggests that this variant is likely to be disruptive. In summary, the available evidence is currently insufficient to determine the role of this variant in disease. Therefore, it has been classified as a Variant of Uncertain Significance.